The following is an entry in ClinVar:

ClinVar aggregate classification (germline): Benign. Review status: criteria provided, multiple submitters, no conflicts (2 of 4 stars). 2 submissions from 2 submitters: Benign (2). Last evaluated 2018-01-12.

Conditions:
Multiple synostoses syndrome 3 (SYNS3). Identifiers: Orphanet 3237, MedGen C2751826, MONDO:0013064, OMIM 612961.

Allele frequency attached by ClinVar (database versions not stated): gnomAD 0.00525 and 0.00617; TOPMed 0.00606; 1000 Genomes Project 30x 0.00781; 1000 Genomes Project 0.00619.

Submissions (2):

Illumina Laboratory Services, Illumina
Classification: Benign for Multiple synostoses syndrome 3. Last evaluated: 2018-01-12. Review status: criteria provided, single submitter. Criteria: ICSL Variant Classification Criteria 13 December 2019. Collection method: clinical testing. Allele origin: germline.
Comment: This variant was observed in the ICSL laboratory as part of a predisposition screen in an ostensibly healthy population. It had not been previously curated by ICSL or reported in the Human Gene Mutation Database (HGMD: prior to June 1st, 2018), and was therefore a candidate for classification through an automated scoring system. Utilizing variant allele frequency, disease prevalence and penetrance estimates, and inheritance mode, an automated score was calculated to assess if this variant is too frequent to cause the disease. Based on the score and internal cut-off values, a variant classified as benign is not then subjected to further curation. The score for this variant resulted in a classification of benign for this disease.

Breakthrough Genomics
Classification: Benign. Review status: criteria provided, single submitter. Criteria: ACMG Guidelines, 2015. Collection method: not provided. Allele origin: germline. Inheritance: Autosomal dominant inheritance. Affected: yes.

NM_002010.3(FGF9):c.*2634C>T

Gene: FGF9 (fibroblast growth factor 9; plus strand). Cytogenetic location: 13q12.11.
Variant type: single nucleotide variant.
Coding change: c.*2634C>T on transcript NM_002010.3 (MANE Select); 2634 bases downstream of the stop codon, C replaced by T.
Molecular consequence: 3 prime UTR variant.
Genome position (GRCh38, 1-based): chr13:21,704,069, C>T. VCF-style: chr13-21704069-C-T. GRCh37 (hg19) VCF-style: chr13-22278208-C-T.
Identifiers: ClinVar variation 311473 (VCV000311473.6), dbSNP rs190925273, ClinGen allele CA10639167.